The following is an entry in ClinVar:

ClinVar aggregate classification (germline): Uncertain significance (1 of 4 stars; one submission).

Conditions:
Idiopathic generalized epilepsy. Also called: EIG; Generalised epilepsy. Identifiers: MedGen C0270850, MONDO:0005579, OMIM 600669.

gnomAD v4.1: 1 of 1,607,328 alleles (0.000062%); no homozygotes.

Submission:

Labcorp Genetics (formerly Invitae), Labcorp
Classification: Uncertain significance for Idiopathic generalized epilepsy. Last evaluated: 2025-02-27. Review status: criteria provided, single submitter. Criteria: Invitae Variant Classification Sherloc (09022015). Collection method: clinical testing. Allele origin: germline.
Comment: This sequence change falls in intron 5 of the GABRD gene. It does not directly change the encoded amino acid sequence of the GABRD protein. It affects a nucleotide within the consensus splice site. This variant is not present in population databases (gnomAD no frequency). This variant has not been reported in the literature in individuals affected with GABRD-related conditions. Variants that disrupt the consensus splice site are a relatively common cause of aberrant splicing (PMID: 17576681, 9536098). Algorithms developed to predict the effect of sequence changes on RNA splicing suggest that this variant may disrupt the consensus splice site. In summary, the available evidence is currently insufficient to determine the role of this variant in disease. Therefore, it has been classified as a Variant of Uncertain Significance.

Literature cited by the submitters: PubMed 17576681; PubMed 9536098.

NM_000815.5(GABRD):c.554-3C>G

Gene: GABRD (gamma-aminobutyric acid type A receptor subunit delta; plus strand). Cytogenetic location: 1p36.33.
Variant type: single nucleotide variant.
Coding change: c.554-3C>G on transcript NM_000815.5 (MANE Select); 3 bases into the intron before coding-DNA position 554, C replaced by G.
Molecular consequence: intron variant.
Genome position (GRCh38, 1-based): chr1:2,028,152, C>G. VCF-style: chr1-2028152-C-G. GRCh37 (hg19) VCF-style: chr1-1959591-C-G.
Identifiers: ClinVar variation 4713429 (VCV004713429.1).